The following is an entry in ClinVar:

ClinVar aggregate classification (germline): Conflicting classifications of pathogenicity. Review status: criteria provided, conflicting classifications (1 of 4 stars). 3 submissions from 3 submitters: Pathogenic (1); Likely pathogenic (1); Uncertain significance (1). Last evaluated 2025-03-04.

gnomAD v4.1: 1 of 1,613,190 alleles (0.000062%); highest among the groups gnomAD compares: Non-Finnish European, 0.000085%; no homozygotes.

Submissions (3):

Center for Genomic Medicine, Rigshospitalet, Copenhagen University Hospital
Classification: Likely pathogenic. Last evaluated: 2025-03-04. Review status: criteria provided, single submitter. Criteria: ACMG Guidelines, 2015. Collection method: clinical testing. Allele origin: germline.
Comment: Classification criteria: PVS1, PM2_Supporting

GeneDx
Classification: Uncertain significance. Last evaluated: 2024-12-23. Review status: criteria provided, single submitter. Criteria: GeneDx Variant Classification Process June 2021. Collection method: clinical testing. Allele origin: germline. Affected: yes.
Comment: Not observed at significant frequency in large population cohorts (gnomAD); Nonsense variant predicted to result in protein truncation or nonsense mediated decay in a gene or region of a gene for which loss of function is not a well-established mechanism of disease; Has not been previously published as pathogenic or benign to our knowledge

Labcorp Genetics (formerly Invitae), Labcorp
Classification: Pathogenic. Last evaluated: 2024-02-20. Review status: criteria provided, single submitter. Criteria: Invitae Variant Classification Sherloc (09022015). Collection method: clinical testing. Allele origin: germline.
Comment: This sequence change creates a premature translational stop signal (p.Arg196*) in the HK1 gene. It is expected to result in an absent or disrupted protein product. Loss-of-function variants in HK1 are known to be pathogenic (PMID: 11783948, 12211198, 31119733). This variant is not present in population databases (gnomAD no frequency). This variant has not been reported in the literature in individuals affected with HK1-related conditions. Algorithms developed to predict the effect of sequence changes on RNA splicing suggest that this variant may disrupt the consensus splice site. For these reasons, this variant has been classified as Pathogenic.

Literature cited by the submitters: PubMed 11783948 (cited by Labcorp Genetics (formerly Invitae), Labcorp); PubMed 12211198 (cited by Labcorp Genetics (formerly Invitae), Labcorp); PubMed 31119733 (cited by Labcorp Genetics (formerly Invitae), Labcorp).

NM_000188.3(HK1):c.586C>T (p.Arg196Ter)

Gene: HK1 (hexokinase 1; plus strand). Cytogenetic location: 10q22.1.
Variant type: single nucleotide variant.
Coding change: c.586C>T on transcript NM_000188.3 (MANE Select); coding-DNA position 586, C replaced by T.
Protein change: p.Arg196Ter; replaces arginine 196 with a stop codon.
Molecular consequence: nonsense. On other transcripts: intron variant (1).
Genome position (GRCh38, 1-based): chr10:69,368,626, C>T. VCF-style: chr10-69368626-C-T. GRCh37 (hg19) VCF-style: chr10-71128382-C-T.
Other names: c.586C>T (NM_000188.2); c.598C>T, p.Arg200Ter (NM_001322364.2, NM_001358263.1, NM_033497.3 and 1 more transcripts); c.691C>T, p.Arg231Ter (NM_001322365.2); c.502C>T, p.Arg168Ter (NM_001322366.1); c.583C>T, p.Arg195Ter (NM_033496.3); c.550C>T, p.Arg184Ter (NM_033500.2); c.496-611C>T (NM_001322367.1); short protein forms R196*, R200*, R231*, R168*, R184*, R195*.
Identifiers: ClinVar variation 3698992 (VCV003698992.4).